The following is an entry in ClinVar:

NM_016333.4(SRRM2):c.560A>T (p.Gln187Leu)

Genes: SRRM2 (serine/arginine repetitive matrix 2; plus strand), LOC126862261 (BRD4-independent group 4 enhancer GRCh37_chr16:2807529-2808728; plus strand). Cytogenetic location: 16p13.3.
Variant type: single nucleotide variant.
Coding change: c.560A>T on transcript NM_016333.4 (MANE Select); coding-DNA position 560, A replaced by T.
Protein change: p.Gln187Leu; replaces glutamine 187 with leucine.
Molecular consequence: missense variant.
Genome position (GRCh38, 1-based): chr16:2,758,514, A>T. VCF-style: chr16-2758514-A-T. GRCh37 (hg19) VCF-style: chr16-2808515-A-T.
Other names: short protein forms Q187L.
Identifiers: ClinVar variation 4535563 (VCV004535563.1).

ClinVar aggregate classification (germline): Uncertain significance (1 of 4 stars; one submission).

gnomAD v4.1: 33 of 1,613,658 alleles (0.002%); highest among the groups gnomAD compares: Non-Finnish European, 0.0027%; no homozygotes.

Submission:

Women's Health and Genetics/Laboratory Corporation of America, LabCorp
Classification: Uncertain significance. Last evaluated: 2025-09-12. Review status: criteria provided, single submitter. Criteria: LabCorp Variant Classification Summary - May 2015. Collection method: clinical testing. Allele origin: germline.
Comment: Variant summary: SRRM2 c.560A>T (p.Gln187Leu) results in a non-conservative amino acid change in the encoded protein sequence. Algorithms developed to predict the effect of missense changes on protein structure and function are either unavailable or do not agree on the potential impact of this missense change. The frequency data for this variant in gnomAD is considered unreliable, as metrics indicate poor data quality at this position. To our knowledge, no occurrence of c.560A>T in individuals affected with SRRM2-related conditions and no experimental evidence demonstrating its impact on protein function have been reported. No submitters have cited clinical-significance assessments for this variant to ClinVar. Based on the evidence outlined above, the variant was classified as uncertain significance.